The following is an entry in ClinVar:

NM_001042492.3(NF1):c.6637A>G (p.Met2213Val)

Gene: NF1 (neurofibromin 1; plus strand). Cytogenetic location: 17q11.2.
Variant type: single nucleotide variant.
Coding change: c.6637A>G on transcript NM_001042492.3 (MANE Select); coding-DNA position 6637, A replaced by G.
Protein change: p.Met2213Val; replaces methionine 2213 with valine.
Molecular consequence: missense variant.
Genome position (GRCh38, 1-based): chr17:31,337,577, A>G. VCF-style: chr17-31337577-A-G. GRCh37 (hg19) VCF-style: chr17-29664595-A-G.
Other names: c.6574A>G, p.Met2192Val (NM_000267.4); short protein forms M2213V, M2192V.
Identifiers: ClinVar variation 219972 (VCV000219972.17), dbSNP rs864622330, ClinGen allele CA350568.
Genomic context (GRCh38, chr17:31,337,577, plus strand): 5'-GAGAGAGAGACTTTTGCTTTGACATCCTTGGAAACAGTCACAGAAGCTTTGTTGGAGATC[A>G]TGGAGGTATAGAAGCCAAAATGATAAGAAACTAAGTTAAAATCTTTTTTTAAAAATATGT-3'
Protein context (NP_001035957.1, residues 2203-2223): ETVTEALLEI[Met2213Val]EACMRDIPTC

ClinVar aggregate classification (germline): Conflicting classifications of pathogenicity. Review status: criteria provided, conflicting classifications (1 of 4 stars). 8 submissions from 7 submitters: Uncertain significance (7); Likely benign (1). Last evaluated 2025-12-31.

Conditions:
Hereditary cancer-predisposing syndrome. Also called: Tumor predisposition; Hereditary neoplastic syndrome; Neoplastic Syndromes, Hereditary; Hereditary Cancer Syndrome. Identifiers: Orphanet 140162, MedGen C0027672, MeSH D009386, MONDO:0015356.
Cardiovascular phenotype. Identifiers: MedGen CN230736.
Neurofibromatosis-Noonan syndrome (NFNS). Also called: NEUROFIBROMATOSIS WITH NOONAN PHENOTYPE. Identifiers: Orphanet 638, MedGen C2931482, MONDO:0011035, OMIM 601321. Disease mechanism: loss of function.
Café-au-lait macules with pulmonary stenosis (WTSN). Also called: PULMONIC STENOSIS WITH CAFE-AU-LAIT SPOTS. Identifiers: MedGen C0553586, MONDO:0008672, OMIM 193520.
Neurofibromatosis, familial spinal (FSNF). Identifiers: Orphanet 636, MedGen C1834235, MONDO:0008078, OMIM 162210. Disease mechanism: loss of function.
Juvenile myelomonocytic leukemia (JMML). Also called: LEUKEMIA, JUVENILE MYELOMONOCYTIC, SOMATIC. Identifiers: Orphanet 86834, MedGen C0349639, MONDO:0011908, OMIM 607785, HP:0012209.
Neurofibromatosis, type 1 (NF1). Also called: Peripheral type neurofibromatosis; NEUROFIBROMATOSIS, TYPE I, SOMATIC; Neurofibromatosis, type I; VON RECKLINGHAUSEN DISEASE. Identifiers: Orphanet 636, MedGen C0027831, MONDO:0018975, OMIM 162200. Disease mechanism: loss of function.

Allele frequency attached by ClinVar (database versions not stated): gnomAD exomes 0.00001.
gnomAD v4.1: 7 of 1,613,606 alleles (0.00043%); highest among the groups gnomAD compares: Admixed American, 0.0033%; no homozygotes.

Submissions (8):

Labcorp Genetics (formerly Invitae), Labcorp
Classification: Likely benign for Neurofibromatosis, type 1. Last evaluated: 2025-12-31. Review status: criteria provided, single submitter. Criteria: Invitae Variant Classification Sherloc (09022015). Collection method: clinical testing. Allele origin: germline.

Women's Health and Genetics/Laboratory Corporation of America, LabCorp
Classification: Uncertain significance. Last evaluated: 2025-10-14. Review status: criteria provided, single submitter. Criteria: LabCorp Variant Classification Summary - May 2015. Collection method: clinical testing. Allele origin: germline.
Comment: Variant summary: NF1 c.6574A>G (p.Met2192Val) results in a conservative amino acid change in the encoded protein sequence. Algorithms developed to predict the effect of missense changes on protein structure and function are either unavailable or do not agree on the potential impact of this missense change. The variant was absent in 251224 control chromosomes. The available data on variant occurrences in the general population are insufficient to allow any conclusion about variant significance. c.6574A>G has been observed in at least one individual affected with breast cancer without strong evidence for causality (e.g. Guindalini_2022). These report(s) do not provide unequivocal conclusions about association of the variant with Neurofibromatosis Type 1. To our knowledge, no experimental evidence demonstrating an impact on protein function has been reported. The following publication has been ascertained in the context of this evaluation (PMID: 35264596). ClinVar contains an entry for this variant (Variation ID: 219972). Based on the evidence outlined above, the variant was classified as uncertain significance.

Genome-Nilou Lab
Classification: Uncertain significance for Neurofibromatosis, type 1. Last evaluated: 2022-03-15. Review status: criteria provided, single submitter. Criteria: ACMG Guidelines, 2015. Collection method: clinical testing. Allele origin: germline. Affected: no.

Fulgent Genetics
Classification: Uncertain significance for Neurofibromatosis, type 1; Neurofibromatosis, familial spinal; Café-au-lait macules with pulmonary stenosis; Neurofibromatosis-Noonan syndrome; Juvenile myelomonocytic leukemia. Last evaluated: 2022-02-17. Review status: criteria provided, single submitter. Criteria: ACMG Guidelines, 2015. Collection method: clinical testing. Allele origin: unknown.

Ambry Genetics
Classification: Uncertain significance for Cardiovascular phenotype; Hereditary cancer-predisposing syndrome. Last evaluated: 2021-09-16. Review status: criteria provided, single submitter. Criteria: Ambry Variant Classification Scheme 2023. Collection method: clinical testing. Allele origin: germline.

GeneDx
Classification: Uncertain significance. Last evaluated: 2021-07-16. Review status: criteria provided, single submitter. Criteria: GeneDx Variant Classification Process June 2021. Collection method: clinical testing. Allele origin: germline. Affected: yes.
Comment: Not observed in large population cohorts (Lek et al., 2016); In silico analysis supports that this missense variant has a deleterious effect on protein structure/function; Has not been previously published as pathogenic or benign to our knowledge; This variant is associated with the following publications: (PMID: 27535533)

Mendelics
Classification: Uncertain significance for Neurofibromatosis, type 1. Last evaluated: 2018-07-02. Review status: criteria provided, single submitter. Criteria: Mendelics Assertion Criteria 2017. Collection method: clinical testing. Allele origin: unknown.

Ambry Genetics
Classification: Uncertain significance for Hereditary cancer-predisposing syndrome. Last evaluated: 2015-06-27. Review status: criteria provided, single submitter. Criteria: Ambry Autosomal Dominant and X-Linked criteria (10/2015). Collection method: clinical testing. Allele origin: germline. Observed: 1 variant allele.
Comment: The p.M2213V variant (also known as c.6637A>G), located in coding exon 43 of the NF1 gene, results from an A to G substitution at nucleotide position 6637. The methionine at codon 2213 is replaced by valine, an amino acid with highly similar properties. This variant was not reported in population based cohorts in the following databases: Database of Single Nucleotide Polymorphisms (dbSNP), NHLBI Exome Sequencing Project (ESP), and 1000 Genomes Project. In the ESP, this variant was not observed in 6503 samples (13006 alleles) with coverage at this position. To date, this alteration has been detected with an allele frequency of approximately 0.002% (greater than 55000alleles tested) in our clinical cohort.This amino acid position is highly conserved in available vertebrate species. In addition, this alteration is predicted to be deleterious by in silico analysis.Since supporting evidence is limited at this time, the clinical significance of p.M2213Vremains unclear.

Literature cited by the submitters: PubMed 10678181 (cited by Women's Health and Genetics/Laboratory Corporation of America, LabCorp); PubMed 23460398 (cited by Women's Health and Genetics/Laboratory Corporation of America, LabCorp); PubMed 29872168 (cited by Women's Health and Genetics/Laboratory Corporation of America, LabCorp); PubMed 35264596 (cited by Women's Health and Genetics/Laboratory Corporation of America, LabCorp); PubMed 27069254 (cited by Women's Health and Genetics/Laboratory Corporation of America, LabCorp).